The following is an entry in ClinVar:

NM_001144967.3(NEDD4L):c.328G>C (p.Val110Leu)

Genes: NEDD4L (NEDD4 like E3 ubiquitin protein ligase; plus strand), LOC126862763 (CDK7 strongly-dependent group 2 enhancer GRCh37_chr18:55982687-55983886; plus strand). Cytogenetic location: 18q21.31.
Variant type: single nucleotide variant.
Coding change: c.328G>C on transcript NM_001144967.3 (MANE Select); coding-DNA position 328, G replaced by C.
Protein change: p.Val110Leu; replaces valine 110 with leucine.
Molecular consequence: missense variant. On other transcripts: 5 prime UTR variant (5).
Genome position (GRCh38, 1-based): chr18:58,316,012, G>C. VCF-style: chr18-58316012-G-C. GRCh37 (hg19) VCF-style: chr18-55983244-G-C.
Other names: c.-36G>C (NM_001144964.1, NM_001144965.2, NM_001144966.3 and 2 more transcripts); c.304G>C, p.Val102Leu (NM_001144968.2, NM_001144969.2); c.328G>C, p.Val110Leu (NM_001243960.2, NM_015277.6); short protein forms V102L, V110L.
Identifiers: ClinVar variation 944551 (VCV000944551.10), dbSNP rs777311647, ClinGen allele CA8975308.

ClinVar aggregate classification (germline): Uncertain significance (1 of 4 stars; one submission).

Submission:

Labcorp Genetics (formerly Invitae), Labcorp
Classification: Uncertain significance. Last evaluated: 2025-02-24. Review status: criteria provided, single submitter. Criteria: Invitae Variant Classification Sherloc (09022015). Collection method: clinical testing. Allele origin: germline.
Comment: This sequence change replaces valine, which is neutral and non-polar, with leucine, which is neutral and non-polar, at codon 110 of the NEDD4L protein (p.Val110Leu). This variant is present in population databases (rs777311647, gnomAD 0.007%). This variant has not been reported in the literature in individuals affected with NEDD4L-related conditions. ClinVar contains an entry for this variant (Variation ID: 944551). Invitae Evidence Modeling of protein sequence and biophysical properties (such as structural, functional, and spatial information, amino acid conservation, physicochemical variation, residue mobility, and thermodynamic stability) indicates that this missense variant is not expected to disrupt NEDD4L protein function with a negative predictive value of 80%. In summary, the available evidence is currently insufficient to determine the role of this variant in disease. Therefore, it has been classified as a Variant of Uncertain Significance.